The following is an entry in ClinVar:

NM_015650.4(TRAF3IP1):c.805C>T (p.Arg269Cys)

Gene: TRAF3IP1 (TRAF3 interacting protein 1; plus strand). Cytogenetic location: 2q37.3.
Variant type: single nucleotide variant.
Coding change: c.805C>T on transcript NM_015650.4 (MANE Select); coding-DNA position 805, C replaced by T.
Protein change: p.Arg269Cys; replaces arginine 269 with cysteine.
Molecular consequence: missense variant.
Genome position (GRCh38, 1-based): chr2:238,329,232, C>T. VCF-style: chr2-238329232-C-T. GRCh37 (hg19) VCF-style: chr2-239237873-C-T.
Other names: c.805C>T, p.Arg269Cys (NM_001139490.1); short protein forms R269C.
Identifiers: ClinVar variation 957957 (VCV000957957.7), dbSNP rs375847619, ClinGen allele CA2198147.

ClinVar aggregate classification (germline): Uncertain significance. Review status: criteria provided, multiple submitters, no conflicts (2 of 4 stars). 2 submissions from 2 submitters: Uncertain significance (2). Last evaluated 2024-12-16.

Conditions:
Inborn genetic diseases. Identifiers: MedGen C0950123, MeSH D030342.

Allele frequency attached by ClinVar (database versions not stated): gnomAD exomes 0.00007 and 0.00015; TOPMed 0.00011; gnomAD 0.00015 and 0.00016; 1000 Genomes Project 30x 0.00016; ExAC 0.00017; 1000 Genomes Project 0.00040.
gnomAD v4.1: 124 of 1,547,234 alleles (0.008%); highest among the groups gnomAD compares: East Asian, 0.074%; no homozygotes.

Submissions (2):

Labcorp Genetics (formerly Invitae), Labcorp
Classification: Uncertain significance. Last evaluated: 2024-12-16. Review status: criteria provided, single submitter. Criteria: Invitae Variant Classification Sherloc (09022015). Collection method: clinical testing. Allele origin: germline.
Comment: This sequence change replaces arginine, which is basic and polar, with cysteine, which is neutral and slightly polar, at codon 269 of the TRAF3IP1 protein (p.Arg269Cys). This variant is present in population databases (rs375847619, gnomAD 0.2%). This variant has not been reported in the literature in individuals affected with TRAF3IP1-related conditions. ClinVar contains an entry for this variant (Variation ID: 957957). Invitae Evidence Modeling of protein sequence and biophysical properties (such as structural, functional, and spatial information, amino acid conservation, physicochemical variation, residue mobility, and thermodynamic stability) indicates that this missense variant is expected to disrupt TRAF3IP1 protein function with a positive predictive value of 80%. In summary, the available evidence is currently insufficient to determine the role of this variant in disease. Therefore, it has been classified as a Variant of Uncertain Significance.

Ambry Genetics
Classification: Uncertain significance for Inborn genetic diseases. Last evaluated: 2022-07-19. Review status: criteria provided, single submitter. Criteria: Ambry Variant Classification Scheme 2023. Collection method: clinical testing. Allele origin: germline.